The following is an entry in ClinVar:

ClinVar aggregate classification (germline): Likely benign (1 of 4 stars; one submission).

Allele frequency attached by ClinVar (database versions not stated): gnomAD 0.00025; ExAC 0.00026; TOPMed 0.00026; gnomAD exomes 0.00046.
gnomAD v4.1: 707 of 1,613,980 alleles (0.044%); highest among the groups gnomAD compares: South Asian, 0.067%; 1 homozygote.

Submission:

CeGaT Center for Human Genetics Tuebingen
Classification: Likely benign. Last evaluated: 2022-07-01. Review status: criteria provided, single submitter. Criteria: CeGaT Center For Human Genetics Tuebingen Variant Classification Criteria Version 2. Collection method: clinical testing. Allele origin: germline. Affected: yes. Observed: 1 variant allele.
Comment: UBASH3B: BP4, BP7

NM_032873.5(UBASH3B):c.852T>G (p.Ser284=)

Gene: UBASH3B (ubiquitin associated and SH3 domain containing B; plus strand). Cytogenetic location: 11q24.1.
Variant type: single nucleotide variant.
Coding change: c.852T>G on transcript NM_032873.5 (MANE Select); coding-DNA position 852, T replaced by G.
Protein change: p.Ser284=; no amino-acid change (serine 284 retained).
Molecular consequence: synonymous variant.
Genome position (GRCh38, 1-based): chr11:122,789,180, T>G. VCF-style: chr11-122789180-T-G. GRCh37 (hg19) VCF-style: chr11-122659888-T-G.
Other names: c.747T>G, p.Ser249= (NM_001363365.2).
Identifiers: ClinVar variation 2642481 (VCV002642481.24), dbSNP rs749627169, ClinGen allele CA6330729.
Genomic context (GRCh38, chr11:122,789,180, plus strand): 5'-CTATACCCCACAAAATGACGATGAGCTGGAGCTGGTCCCCGGGGACTTCATCTTCATGTC[T>G]CCAATGGAGCAGACCAGCACCAGCGAGGGTTGGATCTATGGCACGTCCTTAACCACCGGC-3'
Protein context (NP_116262.2, residues 274-294): ELVPGDFIFM[Ser284=]PMEQTSTSEG